The following is an entry in ClinVar:

ClinVar aggregate classification (germline): Pathogenic (1 of 4 stars; one submission).

Conditions:
Familial cancer of breast. Also called: BREAST CANCER, FAMILIAL; Hereditary breast cancer; hereditary breast carcinoma. Identifiers: Orphanet 227535, MedGen C0346153, MONDO:0016419, OMIM 114480. Disease mechanism: loss of function.

Submission:

Myriad Genetics, Inc.
Classification: Pathogenic for Familial cancer of breast. Last evaluated: 2024-01-23. Review status: criteria provided, single submitter. Criteria: Myriad Autosomal Dominant, Autosomal Recessive and X-Linked Classification Criteria (2023). Collection method: clinical testing. Allele origin: unknown.
Comment: This variant is considered pathogenic. This variant creates a frameshift predicted to result in premature protein truncation.

NM_000051.4(ATM):c.3810_3813delinsAATGG (p.Ile1271fs)

Gene: ATM (ATM serine/threonine kinase; plus strand). Cytogenetic location: 11q22.3.
Variant type: Indel.
Coding change: c.3810_3813delinsAATGG on transcript NM_000051.4 (MANE Select); coding-DNA positions 3810 to 3813, CATT replaced by AATGG.
Protein change: p.Ile1271fs; shifts the reading frame from isoleucine 1271.
Molecular consequence: frameshift variant.
Genome position (GRCh38, 1-based): chr11:108,284,290-108,284,293, CATT replaced by AATGG. VCF-style: chr11-108284290-CATT-AATGG. GRCh37 (hg19) VCF-style: chr11-108155017-CATT-AATGG.
Other names: c.3810_3813delinsAATGG, p.Ile1271fs (NM_001351834.2); short protein forms I1271fs.
Identifiers: ClinVar variation 3148234 (VCV003148234.1), dbSNP rs2546886339, ClinGen allele CA2825001689.
Genomic context (GRCh38, chr11:108,284,290, plus strand): 5'-TTGTTATAAGGTTTTGATTCCACATCTGGTGATTAGAAGTCATTTTGATGAGGTGAAGTC[CATT>AATGG]GCTAATCAGATTCAAGAGGACTGGAAAAGTCTTCTAACAGACTGCTTTCCAAAGATTCTT-3'